The following is an entry in ClinVar:

ClinVar aggregate classification (germline): Benign/Likely benign. Review status: criteria provided, multiple submitters, no conflicts (2 of 4 stars). 7 submissions from 5 submitters: Benign (4); Likely benign (3). Last evaluated 2026-01-06.

Conditions:
Infantile cortical hyperostosis. Also called: P1PK BLOOD GROUP SYSTEM, P(2) PHENOTYPE; Caffey Disease; Hyperostosis, Cortical, Congenital. Identifiers: Orphanet 1310, MedGen C0020497, MONDO:0007244, OMIM 114000.
Osteogenesis imperfecta (OI). Identifiers: Orphanet 666, MedGen C0029434, MeSH D010013, MONDO:0019019.
Osteogenesis imperfecta type I (OI1). Also called: Lobstein's Disease; OI, TYPE I; OSTEOGENESIS IMPERFECTA TARDA; OSTEOGENESIS IMPERFECTA WITH BLUE SCLERAE; Classic Non-deforming Osteogenesis Imperfecta with Blue Sclerae; Lobstein disease. Identifiers: Orphanet 216796, Orphanet 666, MedGen C0023931, MONDO:0008146, OMIM 166200. Disease mechanism: loss of function.
Ehlers-Danlos syndrome, arthrochalasia type. Also called: ARTHROCHALASIS MULTIPLEX CONGENITA; EDS VII, MUTANT PROCOLLAGEN TYPE; EDS VIIA; Ehlers-Danlos syndrome, arthrochalasia type, 1; Ehlers-Danlos syndrome, arthrochalasis type. Identifiers: Orphanet 1899, Orphanet 99875, Orphanet 99876, MedGen C4551623, MONDO:0007525, OMIM 130060.

Allele frequency attached by ClinVar (database versions not stated): gnomAD 0.00011 and 0.00028; ESP Exome Variant Server 0.00015; TOPMed 0.00015; gnomAD exomes 0.00040 and 0.00060; 1000 Genomes Project 0.00060; ExAC 0.00070; 1000 Genomes Project 30x 0.00078.
gnomAD v4.1: 625 of 1,607,522 alleles (0.039%); highest among the groups gnomAD compares: South Asian, 0.43%; 4 homozygotes.

Submissions (7):

Labcorp Genetics (formerly Invitae), Labcorp
Classification: Benign for Osteogenesis imperfecta type I. Last evaluated: 2026-01-06. Review status: criteria provided, single submitter. Criteria: Invitae Variant Classification Sherloc (09022015). Collection method: clinical testing. Allele origin: germline.

Blueprint Genetics
Classification: Likely benign. Last evaluated: 2024-09-24. Review status: criteria provided, single submitter. Criteria: ACMG Guidelines, 2015. Collection method: clinical testing. Allele origin: germline.

Athena Diagnostics
Classification: Benign. Last evaluated: 2018-08-14. Review status: criteria provided, single submitter. Criteria: Athena Diagnostics Criteria. Collection method: clinical testing. Allele origin: germline.

GeneDx
Classification: Likely benign. Last evaluated: 2018-02-07. Review status: criteria provided, single submitter. Criteria: GeneDx Variant Classification (06012015). Collection method: clinical testing. Allele origin: germline. Affected: yes.
Comment: This variant is considered likely benign or benign based on one or more of the following criteria: it is a conservative change, it occurs at a poorly conserved position in the protein, it is predicted to be benign by multiple in silico algorithms, and/or has population frequency not consistent with disease.

Illumina Laboratory Services, Illumina
Classification: Benign for Ehlers-Danlos syndrome, arthrochalasia type. Last evaluated: 2018-01-12. Review status: criteria provided, single submitter. Criteria: ICSL Variant Classification Criteria 13 December 2019. Collection method: clinical testing. Allele origin: germline.
Comment: This variant was observed in the ICSL laboratory as part of a predisposition screen in an ostensibly healthy population. It had not been previously curated by ICSL or reported in the Human Gene Mutation Database (HGMD: prior to June 1st, 2018), and was therefore a candidate for classification through an automated scoring system. Utilizing variant allele frequency, disease prevalence and penetrance estimates, and inheritance mode, an automated score was calculated to assess if this variant is too frequent to cause the disease. Based on the score and internal cut-off values, a variant classified as benign is not then subjected to further curation. The score for this variant resulted in a classification of benign for this disease.

Illumina Laboratory Services, Illumina
Classification: Likely benign for Infantile cortical hyperostosis. Last evaluated: 2018-01-12. Review status: criteria provided, single submitter. Criteria: ICSL Variant Classification Criteria 13 December 2019. Collection method: clinical testing. Allele origin: germline.
Comment: This variant was observed in the ICSL laboratory as part of a predisposition screen in an ostensibly healthy population. It had not been previously curated by ICSL or reported in the Human Gene Mutation Database (HGMD: prior to June 1st, 2018), and was therefore a candidate for classification through an automated scoring system. Utilizing variant allele frequency, disease prevalence and penetrance estimates, and inheritance mode, an automated score was calculated to assess if this variant is too frequent to cause the disease. Based on the score and internal cut-off values, a variant classified as likely benign is not then subjected to further curation. The score for this variant resulted in a classification of likely benign for this disease.

Illumina Laboratory Services, Illumina
Classification: Benign for Osteogenesis imperfecta. Last evaluated: 2018-01-12. Review status: criteria provided, single submitter. Criteria: ICSL Variant Classification Criteria 13 December 2019. Collection method: clinical testing. Allele origin: germline.
Comment: the same text as in the submission from Illumina Laboratory Services, Illumina above.

NM_000088.4(COL1A1):c.2613+13C>T

Gene: COL1A1 (collagen type I alpha 1 chain; minus strand). Cytogenetic location: 17q21.33.
Variant type: single nucleotide variant.
Coding change: c.2613+13C>T on transcript NM_000088.4 (MANE Select); 13 bases into the intron after coding-DNA position 2613, C replaced by T.
Molecular consequence: intron variant.
Genome position (GRCh38, 1-based): chr17:50,189,846, G>A on the plus strand (C>T on the coding strand, the complement: COL1A1 is on the minus strand). VCF-style: chr17-50189846-G-A. GRCh37 (hg19) VCF-style: chr17-48267207-G-A.
Identifiers: ClinVar variation 509229 (VCV000509229.15), dbSNP rs368380161, ClinGen allele CA8644740.
Genomic context (GRCh38, chr17:50,189,846, plus strand): 5'-CCCAGCTGCCCTCACCTGCCACCGCTGCCTGGGGAGAGGGGAGAGGCTCAACAGAGAGGC[G>A]GGTGATACTCACAGGGGGACCAGCGCTGCCGCGAGCACCTTTGGCTCCAGGAGCACCAAC-3'